The following is an entry in ClinVar:

ClinVar aggregate classification (germline): Pathogenic (1 of 4 stars; one submission).

Conditions:
Familial adenomatous polyposis 1 (FAP1). Also called: FAMILIAL ADENOMATOUS POLYPOSIS 1, ATTENUATED; POLYPOSIS, ADENOMATOUS INTESTINAL. Identifiers: MedGen C2713442, MONDO:0021056, OMIM 175100. Disease mechanism: loss of function.

Submission:

Labcorp Genetics (formerly Invitae), Labcorp
Classification: Pathogenic for Familial adenomatous polyposis 1. Last evaluated: 2023-02-02. Review status: criteria provided, single submitter. Criteria: Invitae Variant Classification Sherloc (09022015). Collection method: clinical testing. Allele origin: germline.
Comment: This variant is not present in population databases (gnomAD no frequency). For these reasons, this variant has been classified as Pathogenic. This variant has not been reported in the literature in individuals affected with APC-related conditions. This sequence change creates a premature translational stop signal (p.Arg213Glufs*6) in the APC gene. It is expected to result in an absent or disrupted protein product. Loss-of-function variants in APC are known to be pathogenic (PMID: 17963004, 20685668).

Literature cited by the submitters: PubMed 17963004; PubMed 20685668.

NM_000038.6(APC):c.637del (p.Arg213fs)

Gene: APC (APC regulator of Wnt signaling pathway; plus strand). Cytogenetic location: 5q22.2.
Variant type: Deletion.
Coding change: c.637del on transcript NM_000038.6 (MANE Select); coding-DNA position 637, one base deleted (C; older notation c.637delC).
Protein change: p.Arg213fs; shifts the reading frame from arginine 213.
Molecular consequence: frameshift variant. On other transcripts: 5 prime UTR variant (4), non-coding transcript variant (2).
Genome position (GRCh38, 1-based): chr5:112,780,895, C deleted. VCF-style (leftmost placement, unchanged base first): chr5-112780894-AC-A. GRCh37 (hg19) VCF-style: chr5-112116591-AC-A.
Other names: c.637del, p.Arg213fs (NM_001127510.3, NM_001354895.2, NM_001354896.2 and 16 more transcripts); c.667del, p.Arg223fs (NM_001127511.3, NM_001354897.2, NM_001354902.2 and 1 more transcripts); c.562del, p.Arg188fs (NM_001354898.2, NM_001354904.2, NM_001407451.1); c.460del, p.Arg154fs (NM_001354900.2, NM_001354901.2, NM_001354905.2 and 1 more transcripts); c.-399del (NM_001354906.2, NM_001407470.1, NM_001407471.1 and 1 more transcripts); short protein forms R223fs, R213fs, R154fs, R188fs.
Identifiers: ClinVar variation 2833879 (VCV002833879.3), dbSNP rs2532490596, ClinGen allele CA2739274977.